The following is an entry in ClinVar:

ClinVar aggregate classification (germline): Uncertain significance (1 of 4 stars; one submission).

Submission:

GeneDx
Classification: Uncertain significance. Last evaluated: 2019-05-07. Review status: criteria provided, single submitter. Criteria: GeneDx Variant Classification (06012015). Collection method: clinical testing. Allele origin: germline. Affected: yes.
Comment: In silico analysis, which includes splice predictors and evolutionary conservation, supports a deleterious effect. The c.275-5C>G variant is not observed in large population cohorts (Lek et al., 2016). Therefore, we interpret c.275-5C>G as a variant of uncertain significance.

NM_015355.4(SUZ12):c.275-5C>G

Gene: SUZ12 (SUZ12 polycomb repressive complex 2 subunit; plus strand). Cytogenetic location: 17q11.2.
Variant type: single nucleotide variant.
Coding change: c.275-5C>G on transcript NM_015355.4 (MANE Select); 5 bases into the intron before coding-DNA position 275, C replaced by G.
Molecular consequence: intron variant.
Genome position (GRCh38, 1-based): chr17:31,940,281, C>G. VCF-style: chr17-31940281-C-G. GRCh37 (hg19) VCF-style: chr17-30267300-C-G.
Other names: c.275-5C>G (NM_001321207.2).
Identifiers: ClinVar variation 631550 (VCV000631550.1), dbSNP rs1011664623, ClinGen allele CA913190924.